The following is an entry in ClinVar:

NM_000256.3(MYBPC3):c.598A>G (p.Ser200Gly)

Gene: MYBPC3 (myosin binding protein C3; minus strand). Cytogenetic location: 11p11.2.
Variant type: single nucleotide variant.
Coding change: c.598A>G on transcript NM_000256.3 (MANE Select); coding-DNA position 598, A replaced by G.
Protein change: p.Ser200Gly; replaces serine 200 with glycine.
Molecular consequence: missense variant.
Genome position (GRCh38, 1-based): chr11:47,349,830, T>C on the plus strand (A>G on the coding strand, the complement: MYBPC3 is on the minus strand). VCF-style: chr11-47349830-T-C. GRCh37 (hg19) VCF-style: chr11-47371381-T-C.
Other names: c.598A>G, p.Ser200Gly (LRG_386t1); short protein forms S200G.
Identifiers: ClinVar variation 454333 (VCV000454333.24), dbSNP rs370554185, ClinGen allele CA056089.
Genomic context (GRCh38, chr11:47,349,830, plus strand): 5'-CCACCTTGCTGGCGCGGTCGTAGCTGTCGTGCAGCTGCAGGTGCTGGCCCACCTTGCTGC[T>C]CAGGTCCACCCATTTGCCCTTGAACCACTTGACCACAGGCGGCTTCAGGAGGCTGGCGCC-3'
Protein context (NP_000247.2, residues 190-210): KWFKGKWVDL[Ser200Gly]SKVGQHLQLH

ClinVar aggregate classification (germline): Conflicting classifications of pathogenicity. Review status: criteria provided, conflicting classifications (1 of 4 stars). 8 submissions from 8 submitters: Uncertain significance (7); Likely benign (1). Last evaluated 2026-03-19.

Conditions:
MYBPC3-related disorder. Also called: MYBPC3-related disorders; MYBPC3-related condition; MYBPC3-related disease.
Cardiovascular phenotype. Identifiers: MedGen CN230736.
Left ventricular noncompaction 10 (LVNC10). Identifiers: Orphanet 154, Orphanet 54260, MedGen C3715165, MONDO:0014163, OMIM 615396.
Hypertrophic cardiomyopathy 4. Also called: Familial hypertrophic cardiomyopathy 4. Identifiers: MedGen C1861862, MONDO:0007268, OMIM 115197.
Cardiomyopathy (CMYO). Also called: Cardiomyopathies. Identifiers: Orphanet 167848, MedGen C0878544, MONDO:0004994, HP:0001638. Inheritance: Various modes of inheritance.
Hypertrophic cardiomyopathy. Also called: HYPERTROPHIC MYOCARDIOPATHY. Identifiers: Orphanet 217569, MedGen C0007194, MeSH D002312, MONDO:0005045, HP:0001639.

Allele frequency attached by ClinVar (database versions not stated): gnomAD exomes below 0.00001 and 0.00002; ExAC 0.00004; TOPMed 0.00008; gnomAD 0.00011; ESP Exome Variant Server 0.00040.
gnomAD v4.1: 20 of 1,611,782 alleles (0.0012%); highest among the groups gnomAD compares: African/African-American, 0.027%; no homozygotes.

Submissions (8):

PreventionGenetics, part of Exact Sciences
Classification: Uncertain significance for MYBPC3-related condition. Last evaluated: 2026-03-19. Review status: criteria provided, single submitter. Criteria: ACMG Guidelines, 2015. Collection method: clinical testing. Allele origin: germline.
Comment: The MYBPC3 c.598A>G variant is predicted to result in the amino acid substitution p.Ser200Gly. This variant has been reported in an individual with dilated cardiomyopathy (Table S3, Mazzarotto et al. 2020. PubMed ID: 31983221), and has been reported as uncertain in another individual with cardiomyopathy with limited clinical details provided (Table S8, McGurk et al. 2023. PubMed ID: 37652022). This variant has also been reported in an individual from the Jackson Heart Study cohort where clinical details were not provided (Table S3, Bick et al. 2012. PubMed ID: 22958901). This variant is reported in 0.038% of alleles in individuals of African descent in gnomAD and has conflicting interpretations regarding its pathogenicity in ClinVar, ranging from likely benign to uncertain (Variation ID: 454333). At this time, the clinical significance of this variant is uncertain due to the absence of conclusive functional and genetic evidence.

Labcorp Genetics (formerly Invitae), Labcorp
Classification: Uncertain significance for Hypertrophic cardiomyopathy. Last evaluated: 2026-01-24. Review status: criteria provided, single submitter. Criteria: Invitae Variant Classification Sherloc (09022015). Collection method: clinical testing. Allele origin: germline.
Comment: This sequence change replaces serine, which is neutral and polar, with glycine, which is neutral and non-polar, at codon 200 of the MYBPC3 protein (p.Ser200Gly). This variant is present in population databases (rs370554185, gnomAD 0.04%). This missense change has been observed in individual(s) with dilated cardiomyopathy and/or hypertrophic cardiomyopathy (PMID: 31983221, 37652022). ClinVar contains an entry for this variant (Variation ID: 454333). An algorithm developed to predict the effect of missense changes on protein structure and function outputs the following: PolyPhen-2: "Benign". The glycine amino acid residue is found in multiple mammalian species, which suggests that this missense change does not adversely affect protein function. In summary, the available evidence is currently insufficient to determine the role of this variant in disease. Therefore, it has been classified as a Variant of Uncertain Significance.

Clinical Genomics Laboratory, Washington University in St. Louis
Classification: Uncertain significance for Hypertrophic cardiomyopathy 4. Last evaluated: 2025-04-10. Review status: criteria provided, single submitter. Criteria: ACMG Guidelines, 2015. Collection method: clinical testing. Allele origin: germline.
Comment: The MYBPC3 c.598A>G (p.Ser200Gly) variant has been reported in at least four individuals affected with dilated cardiomyopathy or hypertrophic cardiomyopathy (Bick AG et al., PMID: 22958901; McGurk KA et al., PMID: 37652022; Mazzarotto F et al., PMID: 31983221; Suay-Corredera C et al., PMID: 34097875). This variant is only observed on 9/277,066 alleles in the general population (gnomAD v2.1.1), indicating it is not a common variant. Computational predictors suggest that the variant does not impact MYBPC3 function. This variant has been reported in the ClinVar database as a germline variant of uncertain significance by five submitters and likely benign by one submitter (Variation ID: 454333). Due to limited information, and based on ACMG/AMP guidelines for variant interpretation (Richards S et al., PMID: 25741868), the clinical significance of this variant is uncertain at this time.

All of Us Research Program, National Institutes of Health
Classification: Uncertain significance for Hypertrophic cardiomyopathy. Last evaluated: 2024-08-30. Review status: criteria provided, single submitter. Criteria: ACMG Guidelines, 2015. Collection method: clinical testing. Allele origin: germline. Inheritance: Autosomal dominant inheritance. Observed: 9 variant alleles, 9 heterozygotes.
Comment: Variant of Uncertain Significance due to insufficient evidence: This missense variant is located in the Ig-like domain C1 of the MYBPC3 protein. Computational prediction tools and conservation analyses are inconclusive regarding the impact of this variant on the protein function. Computational splicing tools suggest that this variant may not impact RNA splicing. To our knowledge, functional assays have not been performed for this variant nor has this variant been reported in individuals affected with cardiovascular disorders in the literature. This variant has been identified in 9/274112 chromosomes in the general population by the Genome Aggregation Database (gnomAD). Available evidence is insufficient to determine the pathogenicity of this variant conclusively.

This study involves interpretation of variants in research participants for the purpose of population health screening. Participant phenotype was not available at the time of variant classification. Additional details can be found in publication PMID: 35346344, PMCID: PMC8962531

Ambry Genetics
Classification: Likely benign for Cardiovascular phenotype. Last evaluated: 2023-12-15. Review status: criteria provided, single submitter. Criteria: Ambry Variant Classification Scheme 2023. Collection method: clinical testing. Allele origin: germline.

GeneDx
Classification: Uncertain significance. Last evaluated: 2023-10-04. Review status: criteria provided, single submitter. Criteria: GeneDx Variant Classification Process June 2021. Collection method: clinical testing. Allele origin: germline. Affected: yes.
Comment: In silico analysis, which includes protein predictors and evolutionary conservation, supports that this variant does not alter protein structure/function; This variant is associated with the following publications: (PMID: 31983221, 22958901)

Color Diagnostics, LLC DBA Color Health
Classification: Uncertain significance for Cardiomyopathy. Last evaluated: 2023-09-22. Review status: criteria provided, single submitter. Criteria: ACMG Guidelines, 2015. Collection method: clinical testing. Allele origin: germline.
Comment: This missense variant replaces serine with glycine at codon 200 of the MYBPC3 protein. Computational prediction suggests that this variant may not impact protein structure and function (internally defined REVEL score threshold <= 0.5, PMID: 27666373). To our knowledge, functional studies have not been reported for this variant. This variant has been reported in one individual affected with dilated cardiomyopathy (PMID: 31983221). This variant has been identified in 9/277066 chromosomes in the general population by the Genome Aggregation Database (gnomAD). The available evidence is insufficient to determine the role of this variant in disease conclusively. Therefore, this variant is classified as a Variant of Uncertain Significance.

Fulgent Genetics
Classification: Uncertain significance for Hypertrophic cardiomyopathy 4; Left ventricular noncompaction 10. Last evaluated: 2021-12-28. Review status: criteria provided, single submitter. Criteria: ACMG Guidelines, 2015. Collection method: clinical testing. Allele origin: unknown.

Literature cited by the submitters: PubMed 31983221 (cited by 3 submitters); PubMed 37652022 (cited by Labcorp Genetics (formerly Invitae), Labcorp); PubMed 22958901 (cited by Ambry Genetics).